The following is an entry in ClinVar:

ClinVar aggregate classification (germline): Conflicting classifications of pathogenicity. Review status: criteria provided, conflicting classifications (1 of 4 stars). 7 submissions from 7 submitters: Uncertain significance (5); Benign (1); Likely benign (1). Last evaluated 2026-07-01.

Conditions:
Renal cell carcinoma. Identifiers: Orphanet 217071, MedGen C0007134, MeSH D002292, MONDO:0005086, HP:0005584.
Hereditary cancer-predisposing syndrome. Also called: Neoplastic Syndromes, Hereditary; Hereditary Cancer Syndrome; Tumor predisposition; Hereditary neoplastic syndrome. Identifiers: Orphanet 140162, MedGen C0027672, MeSH D009386, MONDO:0015356.
Autosomal recessive nonsyndromic hearing loss 97. Also called: Deafness, autosomal recessive 97. Identifiers: Orphanet 90636, MedGen C4084709, MONDO:0014739, OMIM 616705.
Papillary renal cell carcinoma type 1 (RCCP1). Also called: Renal adenocarcinoma; Renal cell carcinoma 1; Renal cell carcinoma, somatic; RENAL CELL CARCINOMA, PAPILLARY, 1, SOMATIC. Identifiers: Orphanet 47044, MedGen C1336839, OMIM 605074, HP:0011797.

Allele frequency attached by ClinVar (database versions not stated): gnomAD exomes 0.00002; TOPMed 0.00002; gnomAD 0.00003 and 0.00004; ExAC 0.00001.
gnomAD v4.1: 25 of 1,613,616 alleles (0.0015%); highest among the groups gnomAD compares: African/African-American, 0.0053%; no homozygotes.

Submissions (7):

Ambry Genetics
Classification: Benign for Hereditary cancer-predisposing syndrome. Last evaluated: 2026-07-01. Review status: criteria provided, single submitter. Criteria: Ambry Variant Classification Scheme 2023. Collection method: clinical testing. Allele origin: germline.

Labcorp Genetics (formerly Invitae), Labcorp
Classification: Likely benign for Renal cell carcinoma. Last evaluated: 2026-01-25. Review status: criteria provided, single submitter. Criteria: Invitae Variant Classification Sherloc (09022015). Collection method: clinical testing. Allele origin: germline.

Center for Genomic Medicine, Rigshospitalet, Copenhagen University Hospital
Classification: Uncertain significance. Last evaluated: 2025-03-04. Review status: criteria provided, single submitter. Criteria: ACMG Guidelines, 2015. Collection method: clinical testing. Allele origin: germline.

Baylor Genetics
Classification: Uncertain significance for Autosomal recessive nonsyndromic hearing loss 97. Last evaluated: 2024-03-26. Review status: criteria provided, single submitter. Criteria: ACMG Guidelines, 2015. Collection method: clinical testing. Allele origin: unknown.

GeneDx
Classification: Uncertain significance. Last evaluated: 2024-02-20. Review status: criteria provided, single submitter. Criteria: GeneDx Variant Classification Process June 2021. Collection method: clinical testing. Allele origin: germline. Affected: yes.
Comment: In silico analysis supports that this missense variant does not alter protein structure/function; Observed in an individual with a personal or family history of breast cancer (PMID: 36315513); This variant is associated with the following publications: (PMID: 31942412, 36315513)

Sema4
Classification: Uncertain significance for Hereditary cancer-predisposing syndrome. Last evaluated: 2022-01-20. Review status: criteria provided, single submitter. Criteria: Sema4 Curation Guidelines. Collection method: curation. Allele origin: germline.
Comment: The MET c.2963G>A (p.R988H) variant has not been reported in the literature to our knowledge. It was observed in 7/279944 chromosomes in the Genome Aggregation Database (PMID: 32461654). This variant has been reported in ClinVar (Variation ID 188184). Functional studies have not been performed, and in silico predictions of the variant's effect on protein function are inconclusive. The evidence is insufficient to meet ACMG/AMP criteria for classifying the variant as benign or pathogenic. Thus, the clinical significance of this variant is currently uncertain.

Illumina Laboratory Services, Illumina
Classification: Uncertain significance for Papillary renal cell carcinoma type 1. Last evaluated: 2017-04-28. Review status: criteria provided, single submitter. Criteria: ICSL Variant Classification Criteria 13 December 2019. Collection method: clinical testing. Allele origin: germline.

NM_000245.4(MET):c.2909G>A (p.Arg970His)

Gene: MET (MET proto-oncogene, receptor tyrosine kinase; plus strand). Cytogenetic location: 7q31.2.
Variant type: single nucleotide variant.
Coding change: c.2909G>A on transcript NM_000245.4 (MANE Select); coding-DNA position 2909, G replaced by A.
Protein change: p.Arg970His; replaces arginine 970 with histidine.
Molecular consequence: missense variant.
Genome position (GRCh38, 1-based): chr7:116,771,870, G>A. VCF-style: chr7-116771870-G-A. GRCh37 (hg19) VCF-style: chr7-116411924-G-A.
Other names: c.2963G>A (LRG_662t1); c.2963G>A, p.Arg988His (NM_001127500.3); c.1619G>A, p.Arg540His (NM_001324402.2); short protein forms R988H, R970H, R540H.
Identifiers: ClinVar variation 188184 (VCV000188184.31), dbSNP rs45607832, ClinGen allele CA334261.